The following is an entry in ClinVar:

NM_000260.4(MYO7A):c.2824del (p.Met942fs)

Gene: MYO7A (myosin VIIA; plus strand). Cytogenetic location: 11q13.5.
Variant type: Deletion.
Coding change: c.2824del on transcript NM_000260.4 (MANE Select); coding-DNA position 2824, one base deleted (A; older notation c.2824delA).
Protein change: p.Met942fs; shifts the reading frame from methionine 942.
Molecular consequence: frameshift variant.
Genome position (GRCh38, 1-based): chr11:77,181,509, A deleted. VCF-style (leftmost placement, unchanged base first): chr11-77181508-CA-C. GRCh37 (hg19) VCF-style: chr11-76892554-CA-C.
Other names: c.2824del, p.Met942fs (NM_001127180.2); c.2791del, p.Met931fs (NM_001369365.1); short protein forms M931fs, M942fs.
Identifiers: ClinVar variation 4818019 (VCV004818019.1).

ClinVar aggregate classification (germline): Likely pathogenic (1 of 4 stars; one submission).

Conditions:
Usher syndrome type 1B (USH1B). Also called: Usher syndrome type IB. Identifiers: MedGen C1848638, MONDO:0700087.

Submission:

Natera, Inc.
Classification: Likely pathogenic for Usher syndrome type 1B. Last evaluated: 2024-06-03. Review status: criteria provided, single submitter. Criteria: Natera Variant Classification Schema (03/2026). Collection method: clinical testing. Allele origin: germline.
Comment: The c.2824del variant in MYO7A is a frameshift variant predicted to shift the reading frame beginning at codon 942 and leads to a stop codon 120 codons downstream. This variant is expected to result in nonsense mediated decay, truncation, or a dysfunctional protein product. This variant is rare in the general population with a frequency below the threshold expected for the associated phenotype(s). Given the available evidence, this variant is classified as Likely Pathogenic.